The following is an entry in ClinVar:

ClinVar aggregate classification (germline): Likely benign. Review status: criteria provided, multiple submitters, no conflicts (2 of 4 stars). 2 submissions from 2 submitters: Likely benign (2). Last evaluated 2026-07-23.

Conditions:
NPPA-related disorder. Also called: NPPA-related condition.
Atrial fibrillation, familial, 6 (ATFB6). Identifiers: MedGen C2677294, MONDO:0012816, OMIM 612201.

Allele frequency attached by ClinVar (database versions not stated): ESP Exome Variant Server 0.00015.

Submissions (2):

PreventionGenetics, part of Exact Sciences
Classification: Likely benign for NPPA-related condition. Last evaluated: 2026-07-23. Review status: criteria provided, single submitter. Criteria: ACMG Guidelines, 2015. Collection method: clinical testing. Allele origin: germline.
Comment: This variant is classified as likely benign based on ACMG/AMP sequence variant interpretation guidelines (Richards et al. 2015 PMID: 25741868, with internal and published modifications).

Labcorp Genetics (formerly Invitae), Labcorp
Classification: Likely benign for Atrial fibrillation, familial, 6. Last evaluated: 2025-12-15. Review status: criteria provided, single submitter. Criteria: Invitae Variant Classification Sherloc (09022015). Collection method: clinical testing. Allele origin: germline.

NM_006172.4(NPPA):c.93C>A (p.Ala31=)

Genes: NPPA (natriuretic peptide A; minus strand), NPPA-AS1 (NPPA antisense RNA 1; plus strand), LOC114827827 (VISTA enhancer hs2123; plus strand). Cytogenetic location: 1p36.22.
Variant type: single nucleotide variant.
Coding change: c.93C>A on transcript NM_006172.4 (MANE Select); coding-DNA position 93, C replaced by A.
Protein change: p.Ala31=; no amino-acid change (alanine 31 retained).
Molecular consequence: synonymous variant. On other transcripts: non-coding transcript variant (1).
Genome position (GRCh38, 1-based): chr1:11,847,592, G>T on the plus strand (C>A on the coding strand, the complement: NPPA is on the minus strand). VCF-style: chr1-11847592-G-T. GRCh37 (hg19) VCF-style: chr1-11907649-G-T.
Other names: c.93C>A (NM_006172.3).
Identifiers: ClinVar variation 1124185 (VCV001124185.10), dbSNP rs374257969, ClinGen allele CA597110.